The following is an entry in ClinVar:

NM_001110556.2(FLNA):c.7322G>A (p.Gly2441Asp)

Gene: FLNA (filamin A; minus strand). Cytogenetic location: Xq28.
Variant type: single nucleotide variant.
Coding change: c.7322G>A on transcript NM_001110556.2 (MANE Select); coding-DNA position 7322, G replaced by A.
Protein change: p.Gly2441Asp; replaces glycine 2441 with aspartic acid.
Molecular consequence: missense variant.
Genome position (GRCh38, 1-based): chrX:154,350,042, C>T on the plus strand (G>A on the coding strand, the complement: FLNA is on the minus strand). VCF-style: chrX-154350042-C-T. GRCh37 (hg19) VCF-style: chrX-153578410-C-T.
Other names: c.7298G>A, p.Gly2433Asp (NM_001456.4); c.7298G>A (NM_001456.3); short protein forms G2433D, G2441D.
Identifiers: ClinVar variation 1434065 (VCV001434065.11), dbSNP rs1281469151, ClinGen allele CA415183663.

ClinVar aggregate classification (germline): Conflicting classifications of pathogenicity. Review status: criteria provided, conflicting classifications (1 of 4 stars). 3 submissions from 3 submitters: Uncertain significance (2); Benign (1). Last evaluated 2026-07-13.

Conditions:
Heterotopia, periventricular, X-linked dominant (PVNH1). Also called: PERIVENTRICULAR NODULAR HETEROTOPIA 1; X-linked periventricular heterotopia; PERIVENTRICULAR NODULAR HETEROTOPIA 4; HETEROTOPIA, PERIVENTRICULAR, 1. Identifiers: Orphanet 2149, Orphanet 82004, MedGen C1848213, MONDO:0010233, OMIM 300049.
Oto-palato-digital syndrome, type II (OPD2). Also called: Otopalatodigital Syndrome, Type II; Otopalatodigital Syndrome Type 2 (FLNA-OPD2); FACIOPALATOOSSEOUS SYNDROME; OPD II SYNDROME. Identifiers: Orphanet 669, Orphanet 90652, MedGen C1844696, MONDO:0010571, OMIM 304120.
Frontometaphyseal dysplasia (FMD1). Identifiers: Orphanet 1826, MedGen C0265293, MONDO:0015942.
Melnick-Needles syndrome (MNS). Also called: Melnick-Needles Syndrome (FLNA-MNS); MELNICK-NEEDLES OSTEODYSPLASTY; OSTEODYSPLASTY OF MELNICK AND NEEDLES. Identifiers: Orphanet 2484, MedGen C0025237, MONDO:0010650, OMIM 309350.
Familial thoracic aortic aneurysm and aortic dissection (TAAD). Also called: Thoracic aortic aneurysms and dissections. Identifiers: Orphanet 91387, MedGen C4707243, MONDO:0019625.

Allele frequency attached by ClinVar (database versions not stated): gnomAD exomes below 0.00001; gnomAD 0.00002 and 0.00001; TOPMed 0.00002.
gnomAD v4.1: 3 of 1,210,211 alleles (0.00025%); highest among the groups gnomAD compares: African/African-American, 0.0035%; no homozygotes.

Submissions (3):

Ambry Genetics
Classification: Uncertain significance for Familial thoracic aortic aneurysm and aortic dissection. Last evaluated: 2026-07-13. Review status: criteria provided, single submitter. Criteria: Ambry Variant Classification Scheme 2023. Collection method: clinical testing. Allele origin: germline.
Comment: The p.G2433D variant (also known as c.7298G>A), located in coding exon 43 of the FLNA gene, results from a G to A substitution at nucleotide position 7298. The glycine at codon 2433 is replaced by aspartic acid, an amino acid with similar properties. This amino acid position is conserved. In addition, the in silico prediction for this alteration is inconclusive. Based on the available evidence, the clinical significance of this variant remains unclear.

GeneDx
Classification: Uncertain significance. Last evaluated: 2024-12-03. Review status: criteria provided, single submitter. Criteria: GeneDx Variant Classification Process June 2021. Collection method: clinical testing. Allele origin: germline. Affected: yes.
Comment: In silico analysis supports that this missense variant has a deleterious effect on protein structure/function; Has not been previously published as pathogenic or benign to our knowledge

Labcorp Genetics (formerly Invitae), Labcorp
Classification: Benign for Oto-palato-digital syndrome, type II; Heterotopia, periventricular, X-linked dominant; Frontometaphyseal dysplasia; Melnick-Needles syndrome. Last evaluated: 2023-11-27. Review status: criteria provided, single submitter. Criteria: Invitae Variant Classification Sherloc (09022015). Collection method: clinical testing. Allele origin: germline.